The following is an entry in ClinVar:

NM_004817.4(TJP2):c.2750G>A (p.Arg917His)

Gene: TJP2 (tight junction protein 2; plus strand). Cytogenetic location: 9q21.11.
Variant type: single nucleotide variant.
Coding change: c.2750G>A on transcript NM_004817.4 (MANE Select); coding-DNA position 2750, G replaced by A.
Protein change: p.Arg917His; replaces arginine 917 with histidine.
Molecular consequence: missense variant. On other transcripts: intron variant (1).
Genome position (GRCh38, 1-based): chr9:69,248,094, G>A. VCF-style: chr9-69248094-G-A. GRCh37 (hg19) VCF-style: chr9-71863010-G-A.
Other names: c.2750G>A (NM_004817.3); c.2681G>A, p.Arg894His (NM_001170414.2, NM_001369871.1); c.2762G>A, p.Arg921His (NM_001170415.1, NM_001369874.1, NM_001369875.1); c.2843G>A, p.Arg948His (NM_001170416.2); c.2675G>A, p.Arg892His (NM_001369870.1); c.2750G>A, p.Arg917His (NM_001369872.1, NM_201629.3); c.2667+1304G>A (NM_001369873.1); short protein forms R948H, R892H, R894H, R921H, R917H.
Identifiers: ClinVar variation 1504089 (VCV001504089.11), dbSNP rs751606391, ClinGen allele CA5073763.

ClinVar aggregate classification (germline): Uncertain significance. Review status: criteria provided, multiple submitters, no conflicts (2 of 4 stars). 3 submissions from 3 submitters: Uncertain significance (3). Last evaluated 2026-02-09.

Conditions:
TJP2-related disorder. Also called: TJP2-related condition.
Inborn genetic diseases. Identifiers: MedGen C0950123, MeSH D030342.

Allele frequency attached by ClinVar (database versions not stated): ExAC 0.00002; gnomAD 0.00003; gnomAD exomes 0.00003; TOPMed 0.00003.
gnomAD v4.1: 48 of 1,614,082 alleles (0.003%); highest among the groups gnomAD compares: Admixed American, 0.005%; no homozygotes.

Submissions (3):

PreventionGenetics, part of Exact Sciences
Classification: Uncertain significance for TJP2-related condition. Last evaluated: 2026-02-09. Review status: criteria provided, single submitter. Criteria: ACMG Guidelines, 2015. Collection method: clinical testing. Allele origin: germline.
Comment: The TJP2 c.2750G>A variant is predicted to result in the amino acid substitution p.Arg917His. To our knowledge, this variant has not been reported in the literature. This variant is reported in 0.0058% of alleles in individuals of Latino descent in gnomAD. At this time, the clinical significance of this variant is uncertain due to the absence of conclusive functional and genetic evidence.

Ambry Genetics
Classification: Uncertain significance for Inborn genetic diseases. Last evaluated: 2024-09-02. Review status: criteria provided, single submitter. Criteria: Ambry Variant Classification Scheme 2023. Collection method: clinical testing. Allele origin: germline.

Labcorp Genetics (formerly Invitae), Labcorp
Classification: Uncertain significance. Last evaluated: 2022-07-05. Review status: criteria provided, single submitter. Criteria: Invitae Variant Classification Sherloc (09022015). Collection method: clinical testing. Allele origin: germline.
Comment: ClinVar contains an entry for this variant (Variation ID: 1504089). This variant has not been reported in the literature in individuals affected with TJP2-related conditions. This variant is present in population databases (rs751606391, gnomAD 0.006%). This sequence change replaces arginine, which is basic and polar, with histidine, which is basic and polar, at codon 917 of the TJP2 protein (p.Arg917His). Algorithms developed to predict the effect of missense changes on protein structure and function are either unavailable or do not agree on the potential impact of this missense change (SIFT: "Deleterious"; PolyPhen-2: "Probably Damaging"; Align-GVGD: "Class C0"). In summary, the available evidence is currently insufficient to determine the role of this variant in disease. Therefore, it has been classified as a Variant of Uncertain Significance.